The following is an entry in ClinVar:

NM_001374828.1(ARID1B):c.567_590dup (p.Gln200_Gln201insLeuAsnGlnPheGlnGlnGlnGln)

Genes: ARID1B (AT-rich interaction domain 1B; plus strand), LOC115308161 (uncharacterized LOC115308161; minus strand). Cytogenetic location: 6q25.3.
Variant type: Duplication.
Coding change: c.567_590dup on transcript NM_001374828.1 (MANE Select); coding-DNA positions 567 to 590, 24 bases duplicated (ACAGCAGCAGCTAAACCAGTTCCA).
Protein change: p.Gln200_Gln201insLeuAsnGlnPheGlnGlnGlnGln.
Molecular consequence: inframe insertion. On other transcripts: non-coding transcript variant (1), inframe indel (3).
Genome position (GRCh38, 1-based): chr6:156,778,247-156,778,270, ACAGCAGCAGCTAAACCAGTTCCA duplicated. VCF-style (leftmost placement, unchanged base first): chr6-156778246-T-TACAGCAGCAGCTAAACCAGTTCCA. GRCh37 (hg19) VCF-style: chr6-157099380-T-TACAGCAGCAGCTAAACCAGTTCCA.
Other names: c.318_341dup, p.Gln117_Gln118insLeuAsnGlnPheGlnGlnGlnGln (NM_001346813.1, NM_020732.3); c.567_590dup, p.Gln200_Gln201insLeuAsnGlnPheGlnGlnGlnGln (NM_001371656.1, NM_001374820.1, NM_017519.3); c.144_167dup, p.Gln59_Gln60insLeuAsnGlnPheGlnGlnGlnGln (NM_175863.2).
Identifiers: ClinVar variation 2983759 (VCV002983759.3), dbSNP rs2546821549, ClinGen allele CA2680909103.

ClinVar aggregate classification (germline): Uncertain significance (1 of 4 stars; one submission).

Submission:

Labcorp Genetics (formerly Invitae), Labcorp
Classification: Uncertain significance. Last evaluated: 2023-08-06. Review status: criteria provided, single submitter. Criteria: Invitae Variant Classification Sherloc (09022015). Collection method: clinical testing. Allele origin: germline.
Comment: In summary, the available evidence is currently insufficient to determine the role of this variant in disease. Therefore, it has been classified as a Variant of Uncertain Significance. This variant has not been reported in the literature in individuals affected with ARID1B-related conditions. This variant is not present in population databases (gnomAD no frequency). This variant, c.318_341dup, results in the insertion of 8 amino acid(s) of the ARID1B protein (p.Leu110_Gln117dup), but otherwise preserves the integrity of the reading frame.